The following is an entry in ClinVar:

ClinVar aggregate classification (germline): Uncertain significance (1 of 4 stars; one submission).

Conditions:
Hereditary nonpolyposis colorectal neoplasms. Identifiers: MedGen C0009405, MeSH D003123.

Submission:

Labcorp Genetics (formerly Invitae), Labcorp
Classification: Uncertain significance for Hereditary nonpolyposis colorectal neoplasms. Last evaluated: 2023-09-19. Review status: criteria provided, single submitter. Criteria: Invitae Variant Classification Sherloc (09022015). Collection method: clinical testing. Allele origin: germline.
Comment: This variant has not been reported in the literature in individuals affected with PMS2-related conditions. This variant is not present in population databases (gnomAD no frequency). This variant, c.1836_1838del, results in the deletion of 1 amino acid(s) of the PMS2 protein (p.Asn612del), but otherwise preserves the integrity of the reading frame. In summary, the available evidence is currently insufficient to determine the role of this variant in disease. Therefore, it has been classified as a Variant of Uncertain Significance. Experimental studies and prediction algorithms are not available or were not evaluated, and the functional significance of this variant is currently unknown. ClinVar contains an entry for this variant (Variation ID: 646506).

NM_000535.7(PMS2):c.1833TAA[1] (p.Asn612del)

Gene: PMS2 (PMS1 homolog 2, mismatch repair system component; minus strand). Cytogenetic location: 7p22.1.
Variant type: Microsatellite.
Coding change: c.1833TAA[1] on transcript NM_000535.7 (MANE Select); one copy of the 3-base unit TAA starting at c.1833; the reference has two copies in a row; one copy, 3 bases deleted.
Protein change: p.Asn612del; deletes asparagine 612.
Molecular consequence: inframe deletion. On other transcripts: non-coding transcript variant (1).
Genome position (GRCh38, 1-based): chr7:5,986,927-5,986,929, TTA deleted on the plus strand (TAA on the coding strand, the reverse complement: PMS2 is on the minus strand); deleting any 3 consecutive bases within chr7:5,986,927-5,986,932 gives the same sequence; the position shown is the placement nearest the transcript's 3' end. VCF-style (leftmost placement, unchanged base first): chr7-5986926-CTTA-C. GRCh37 (hg19) VCF-style: chr7-6026557-CTTA-C.
Other names: c.1428TAA[1], p.Asn477del (NM_001322003.2, NM_001322004.2, NM_001322005.2 and 1 more transcripts); c.1677TAA[1], p.Asn560del (NM_001322006.2); c.1515TAA[1], p.Asn506del (NM_001322007.2, NM_001322008.2); c.1272TAA[1], p.Asn425del (NM_001322010.2); c.900TAA[1], p.Asn301del (NM_001322011.2, NM_001322012.2); c.1260TAA[1], p.Asn421del (NM_001322013.2); c.1833TAA[1], p.Asn612del (NM_001322014.2); c.1524TAA[1], p.Asn509del (NM_001322015.2); short protein forms N425del, N506del, N301del, N421del, N477del, N509del, N560del, N612del.
Identifiers: ClinVar variation 646506 (VCV000646506.8), dbSNP rs1583314881, ClinGen allele CA915944863.
Genomic context (GRCh38, chr7:5,986,926, plus strand): 5'-ATGTAACTGCTTTATTCGTTTAGCTAAAGAACTCATAGAAAAGTCCAGGGGCACAACTTT[CTTA>C]TTAATTTTCACAGCTACATCAACCTGAGAGGCTGACATGTCCTGAGTATTTACTAACTTT-3'